The following is an entry in ClinVar:

ClinVar aggregate classification (germline): Uncertain significance (1 of 4 stars; one submission).

Conditions:
Neurofibromatosis, type 1 (NF1). Also called: Peripheral type neurofibromatosis; VON RECKLINGHAUSEN DISEASE; Neurofibromatosis, type I; NEUROFIBROMATOSIS, TYPE I, SOMATIC. Identifiers: Orphanet 636, MedGen C0027831, MONDO:0018975, OMIM 162200. Disease mechanism: loss of function.

Submission:

Labcorp Genetics (formerly Invitae), Labcorp
Classification: Uncertain significance for Neurofibromatosis, type 1. Last evaluated: 2018-01-01. Review status: criteria provided, single submitter. Criteria: Invitae Variant Classification Sherloc (09022015). Collection method: clinical testing. Allele origin: germline.
Comment: In summary, the available evidence is currently insufficient to determine the role of this variant in disease. Therefore, it has been classified as a Variant of Uncertain Significance. Algorithms developed to predict the effect of missense changes on protein structure and function (SIFT, PolyPhen-2, Align-GVGD) all suggest that this variant is likely to be tolerated, but these predictions have not been confirmed by published functional studies and their clinical significance is uncertain. This variant has not been reported in the literature in individuals with NF1-related disease. This variant is not present in population databases (ExAC no frequency). This sequence change replaces glutamic acid with aspartic acid at codon 73 of the NF1 protein (p.Glu73Asp). The glutamic acid residue is highly conserved and there is a small physicochemical difference between glutamic acid and aspartic acid.

NM_001042492.3(NF1):c.219A>T (p.Glu73Asp)

Gene: NF1 (neurofibromin 1; plus strand). Cytogenetic location: 17q11.2.
Variant type: single nucleotide variant.
Coding change: c.219A>T on transcript NM_001042492.3 (MANE Select); coding-DNA position 219, A replaced by T.
Protein change: p.Glu73Asp; replaces glutamic acid 73 with aspartic acid.
Molecular consequence: missense variant.
Genome position (GRCh38, 1-based): chr17:31,159,024, A>T. VCF-style: chr17-31159024-A-T. GRCh37 (hg19) VCF-style: chr17-29486042-A-T.
Other names: c.219A>T, p.Glu73Asp (NM_000267.4, NM_001128147.3); short protein forms E73D.
Identifiers: ClinVar variation 569581 (VCV000569581.5), dbSNP rs1567816022, ClinGen allele CA398989552.